The following is an entry in ClinVar:

ClinVar aggregate classification (germline): Uncertain significance (1 of 4 stars; one submission).

Conditions:
MELAS syndrome (MELAS). Also called: Juvenile myopathy, encephalopathy, lactic acidosis, stroke. Identifiers: Orphanet 550, MedGen C0162671, MONDO:0010789, OMIM 540000.

Submission:

Wong Mito Lab, Molecular and Human Genetics, Baylor College of Medicine
Classification: Uncertain significance for MELAS syndrome. Last evaluated: 2019-07-12. Review status: criteria provided, single submitter. Criteria: Modified ACMG Guidelines (Unpublished). Collection method: clinical testing. Allele origin: germline.
Comment: The NC_012920.1:m.5654T>C variant in MT-TA gene is interpreted to be a Unknown Significance variant based on the modified ACMG guidelines (unpublished). This variant meets the following evidence codes reported in the guidelines: BS1, BP4, PP6

Literature cited by the submitters: PubMed 31965079.

NC_012920.1(MT-TA):m.5654T>C

Gene: MT-TA (mitochondrially encoded tRNA alanine; minus strand).
Variant type: single nucleotide variant.
Genome position: chrM-5654-T-C.
Identifiers: ClinVar variation 689965 (VCV000689965.1), dbSNP rs1603220072, ClinGen allele CA913180137.